The following is an entry in ClinVar:

ClinVar aggregate classification (germline): Uncertain significance (1 of 4 stars; one submission).

Conditions:
Congenital disorder of deglycosylation (CDDG). Identifiers: MedGen C3808991, MONDO:0031376.

Allele frequency attached by ClinVar (database versions not stated): gnomAD exomes below 0.00001; gnomAD 0.00001; TOPMed 0.00002; ESP Exome Variant Server 0.00008.
gnomAD v4.1: 3 of 1,608,348 alleles (0.00019%); highest among the groups gnomAD compares: Non-Finnish European, 0.00026%; no homozygotes.

Submission:

Institute of Human Genetics, University of Leipzig Medical Center
Classification: Uncertain significance for Congenital disorder of deglycosylation 1. Last evaluated: 2019-01-01. Review status: criteria provided, single submitter. Criteria: ACMG Guidelines, 2015. Collection method: clinical testing. Allele origin: unknown. Affected: yes.
Comment: This variant was identified as compound heterozygous.

NM_018297.4(NGLY1):c.1260G>C (p.Gln420His)

Gene: NGLY1 (N-glycanase 1; minus strand). Cytogenetic location: 3p24.2.
Variant type: single nucleotide variant.
Coding change: c.1260G>C on transcript NM_018297.4 (MANE Select); coding-DNA position 1260, G replaced by C.
Protein change: p.Gln420His; replaces glutamine 420 with histidine.
Molecular consequence: missense variant.
Genome position (GRCh38, 1-based): chr3:25,733,872, C>G on the plus strand (G>C on the coding strand, the complement: NGLY1 is on the minus strand). VCF-style: chr3-25733872-C-G. GRCh37 (hg19) VCF-style: chr3-25775363-C-G.
Other names: c.1206G>C, p.Gln402His (NM_001145293.2); c.1134G>C, p.Gln378His (NM_001145294.2); c.1260G>C, p.Gln420His (NM_001145295.2); short protein forms Q378H, Q402H, Q420H.
Identifiers: ClinVar variation 982852 (VCV000982852.1), dbSNP rs142173456, ClinGen allele CA71653826.
Genomic context (GRCh38, chr3:25,733,872, plus strand): 5'-CTATTCTCGATTACATAAAAAATGTCAACTGTTCTTTCAAAAAAGATAGCCACACCATAC[C>G]TGCTTATTAAGCCCATTAATAGTGTCTCGAAGTAATGCTTCTTTAACCTTAGTTCTTCTG-3'
Protein context (NP_060767.2, residues 410-430): LRDTINGLNK[Gln420His]RQLFLSENRR